The following is an entry in ClinVar:

ClinVar aggregate classification (germline): Benign/Likely benign. Review status: criteria provided, multiple submitters, no conflicts (2 of 4 stars). 6 submissions from 5 submitters: Benign (2); Likely benign (3). 1 of the submissions does not count toward it. Last evaluated 2026-02-02.

Conditions:
Lethal congenital contractural syndrome Finnish type.
Lethal arthrogryposis-anterior horn cell disease syndrome (CAAHD). Also called: CONGENITAL ARTHROGRYPOSIS WITH ANTERIOR HORN CELL DISEASE. Identifiers: Orphanet 53696, MedGen C5193016, MONDO:0012750, OMIM 611890.
Lethal congenital contracture syndrome 1 (LCCS1). Also called: MULTIPLE CONTRACTURE SYNDROME, FINNISH TYPE. Identifiers: Orphanet 1486, MedGen C1854664, MONDO:0009670, OMIM 253310.

Allele frequency attached by ClinVar (database versions not stated): ExAC 0.00147; gnomAD exomes 0.00213; 1000 Genomes Project 30x 0.01187.
gnomAD v4.1: 2,790 of 1,604,144 alleles (0.17%); highest among the groups gnomAD compares: African/African-American, 3.3%; 36 homozygotes.

Submissions (6):

Labcorp Genetics (formerly Invitae), Labcorp
Classification: Likely benign. Last evaluated: 2026-02-02. Review status: criteria provided, single submitter. Criteria: Invitae Variant Classification Sherloc (09022015). Collection method: clinical testing. Allele origin: germline.

GeneDx
Classification: Likely benign. Last evaluated: 2021-01-12. Review status: criteria provided, single submitter. Criteria: GeneDx Variant Classification Process June 2021. Collection method: clinical testing. Allele origin: germline. Affected: yes.

Illumina Laboratory Services, Illumina
Classification: Benign for Lethal congenital contracture syndrome 1. Last evaluated: 2018-01-13. Review status: criteria provided, single submitter. Criteria: ICSL Variant Classification Criteria 13 December 2019. Collection method: clinical testing. Allele origin: germline.
Comment: This variant was observed in the ICSL laboratory as part of a predisposition screen in an ostensibly healthy population. It had not been previously curated by ICSL or reported in the Human Gene Mutation Database (HGMD: prior to June 1st, 2018), and was therefore a candidate for classification through an automated scoring system. Utilizing variant allele frequency, disease prevalence and penetrance estimates, and inheritance mode, an automated score was calculated to assess if this variant is too frequent to cause the disease. Based on the score and internal cut-off values, a variant classified as benign is not then subjected to further curation. The score for this variant resulted in a classification of benign for this disease.

Illumina Laboratory Services, Illumina
Classification: Benign for Lethal arthrogryposis-anterior horn cell disease syndrome. Last evaluated: 2018-01-13. Review status: criteria provided, single submitter. Criteria: ICSL Variant Classification Criteria 13 December 2019. Collection method: clinical testing. Allele origin: germline.
Comment: the same text as in the submission from Illumina Laboratory Services, Illumina above.

Breakthrough Genomics
Classification: Likely benign. Review status: criteria provided, single submitter. Criteria: ACMG Guidelines, 2015. Collection method: not provided. Allele origin: germline. Inheritance: Autosomal recessive inheritance. Affected: yes.

Natera, Inc.
Classification: Benign for Lethal congenital contractural syndrome Finnish type. Last evaluated: 2019-10-28. Review status: no assertion criteria provided. Collection method: clinical testing. Allele origin: germline. Not counted in ClinVar's aggregate classification.

NM_001003722.2(GLE1):c.433-15A>C

Gene: GLE1 (GLE1 RNA export mediator; plus strand). Cytogenetic location: 9q34.11.
Variant type: single nucleotide variant.
Coding change: c.433-15A>C on transcript NM_001003722.2 (MANE Select); 15 bases into the intron before coding-DNA position 433, A replaced by C.
Molecular consequence: intron variant.
Genome position (GRCh38, 1-based): chr9:128,522,653, A>C. VCF-style: chr9-128522653-A-C. GRCh37 (hg19) VCF-style: chr9-131284932-A-C.
Other names: c.433-15A>C (NM_001499.2).
Identifiers: ClinVar variation 365133 (VCV000365133.13), dbSNP rs752897261, ClinGen allele CA5263599.